The following is an entry in ClinVar:

ClinVar aggregate classification (germline): Uncertain significance. Review status: criteria provided, multiple submitters, no conflicts (2 of 4 stars). 2 submissions from 2 submitters: Uncertain significance (2). Last evaluated 2025-11-24.

Conditions:
EGFR-related lung cancer (EGFR). Identifiers: MedGen CN130014.
Hereditary cancer-predisposing syndrome. Also called: Hereditary Cancer Syndrome; Hereditary neoplastic syndrome; Neoplastic Syndromes, Hereditary; Tumor predisposition. Identifiers: Orphanet 140162, MedGen C0027672, MeSH D009386, MONDO:0015356.

Allele frequency attached by ClinVar (database versions not stated): gnomAD exomes below 0.00001 and 0.00001; ExAC 0.00001.
gnomAD v4.1: 6 of 1,614,082 alleles (0.00037%); highest among the groups gnomAD compares: South Asian, 0.0033%; no homozygotes.

Submissions (2):

Labcorp Genetics (formerly Invitae), Labcorp
Classification: Uncertain significance for EGFR-related lung cancer. Last evaluated: 2025-11-24. Review status: criteria provided, single submitter. Criteria: Invitae Variant Classification Sherloc (09022015). Collection method: clinical testing. Allele origin: germline.
Comment: This sequence change replaces glycine, which is neutral and non-polar, with serine, which is neutral and polar, at codon 322 of the EGFR protein (p.Gly322Ser). This variant is present in population databases (rs776791214, gnomAD 0.003%). This variant has not been reported in the literature in individuals affected with EGFR-related conditions. ClinVar contains an entry for this variant (Variation ID: 1449019). Invitae Evidence Modeling of protein sequence and biophysical properties (such as structural, functional, and spatial information, amino acid conservation, physicochemical variation, residue mobility, and thermodynamic stability) indicates that this missense variant is expected to disrupt EGFR protein function with a positive predictive value of 80%. In summary, the available evidence is currently insufficient to determine the role of this variant in disease. Therefore, it has been classified as a Variant of Uncertain Significance.

Ambry Genetics
Classification: Uncertain significance for Hereditary cancer-predisposing syndrome. Last evaluated: 2025-03-25. Review status: criteria provided, single submitter. Criteria: Ambry Variant Classification Scheme 2023. Collection method: clinical testing. Allele origin: germline.
Comment: The p.G322S variant (also known as c.964G>A), located in coding exon 8 of the EGFR gene, results from a G to A substitution at nucleotide position 964. The glycine at codon 322 is replaced by serine, an amino acid with similar properties. This amino acid position is highly conserved in available vertebrate species. In addition, the in silico prediction for this alteration is inconclusive. Based on the available evidence, the clinical significance of this variant remains unclear.

NM_005228.5(EGFR):c.964G>A (p.Gly322Ser)

Gene: EGFR (epidermal growth factor receptor; plus strand). Cytogenetic location: 7p11.2.
Variant type: single nucleotide variant.
Coding change: c.964G>A on transcript NM_005228.5 (MANE Select); coding-DNA position 964, G replaced by A.
Protein change: p.Gly322Ser; replaces glycine 322 with serine.
Molecular consequence: missense variant.
Genome position (GRCh38, 1-based): chr7:55,155,904, G>A. VCF-style: chr7-55155904-G-A. GRCh37 (hg19) VCF-style: chr7-55223597-G-A.
Other names: c.964G>A, p.Gly322Ser (NM_001346898.2, NM_201282.2, NM_201283.2 and 1 more transcripts); c.829G>A, p.Gly277Ser (NM_001346899.2, NM_001346897.2); c.805G>A, p.Gly269Ser (NM_001346900.2); c.163G>A, p.Gly55Ser (NM_001346941.2); c.964G>A (NM_005228.3); short protein forms G55S, G269S, G277S, G322S.
Identifiers: ClinVar variation 1449019 (VCV001449019.9), dbSNP rs776791214, ClinGen allele CA4265421.